The following is an entry in ClinVar:

NM_015559.3(SETBP1):c.3343G>A (p.Val1115Ile)

Gene: SETBP1 (SET binding protein 1; plus strand). Cytogenetic location: 18q12.3.
Variant type: single nucleotide variant.
Coding change: c.3343G>A on transcript NM_015559.3 (MANE Select); coding-DNA position 3343, G replaced by A.
Protein change: p.Val1115Ile; replaces valine 1115 with isoleucine.
Molecular consequence: missense variant.
Genome position (GRCh38, 1-based): chr18:44,952,683, G>A. VCF-style: chr18-44952683-G-A. GRCh37 (hg19) VCF-style: chr18-42532648-G-A.
Other names: c.3343G>A, p.Val1115Ile (NM_001379141.1, NM_001379142.1, NM_001410862.1); c.3343G>A (NM_015559.2); short protein forms V1115I.
Identifiers: ClinVar variation 2181198 (VCV002181198.5), dbSNP rs759364124, ClinGen allele CA8945885.

ClinVar aggregate classification (germline): Conflicting classifications of pathogenicity. Review status: criteria provided, conflicting classifications (1 of 4 stars). 2 submissions from 2 submitters: Uncertain significance (1); Likely benign (1). Last evaluated 2026-06-22.

Conditions:
SETBP1-related disorder. Also called: SETBP1-related condition; SETBP1-related disorders.

Allele frequency attached by ClinVar (database versions not stated): gnomAD 0.00001; gnomAD exomes 0.00001; ExAC 0.00004.
gnomAD v4.1: 11 of 1,614,016 alleles (0.00068%); highest among the groups gnomAD compares: Non-Finnish European, 0.00093%; no homozygotes.

Submissions (2):

PreventionGenetics, part of Exact Sciences
Classification: Likely benign for SETBP1-related condition. Last evaluated: 2026-06-22. Review status: criteria provided, single submitter. Criteria: ACMG Guidelines, 2015. Collection method: clinical testing. Allele origin: germline.
Comment: This variant is classified as likely benign based on ACMG/AMP sequence variant interpretation guidelines (Richards et al. 2015 PMID: 25741868, with internal and published modifications).

Labcorp Genetics (formerly Invitae), Labcorp
Classification: Uncertain significance. Last evaluated: 2025-05-07. Review status: criteria provided, single submitter. Criteria: Invitae Variant Classification Sherloc (09022015). Collection method: clinical testing. Allele origin: germline.
Comment: This sequence change replaces valine, which is neutral and non-polar, with isoleucine, which is neutral and non-polar, at codon 1115 of the SETBP1 protein (p.Val1115Ile). This variant is present in population databases (rs759364124, gnomAD 0.006%). This variant has not been reported in the literature in individuals affected with SETBP1-related conditions. ClinVar contains an entry for this variant (Variation ID: 2181198). Invitae Evidence Modeling of protein sequence and biophysical properties (such as structural, functional, and spatial information, amino acid conservation, physicochemical variation, residue mobility, and thermodynamic stability) indicates that this missense variant is not expected to disrupt SETBP1 protein function with a negative predictive value of 80%. In summary, the available evidence is currently insufficient to determine the role of this variant in disease. Therefore, it has been classified as a Variant of Uncertain Significance.